The following is an entry in ClinVar:

NM_001330078.2(NRXN1):c.2003T>A (p.Val668Glu)

Gene: NRXN1 (neurexin 1; minus strand). Cytogenetic location: 2p16.3.
Variant type: single nucleotide variant.
Coding change: c.2003T>A on transcript NM_001330078.2 (MANE Select); coding-DNA position 2003, T replaced by A.
Protein change: p.Val668Glu; replaces valine 668 with glutamic acid.
Molecular consequence: missense variant.
Genome position (GRCh38, 1-based): chr2:50,538,393, A>T on the plus strand (T>A on the coding strand, the complement: NRXN1 is on the minus strand). VCF-style: chr2-50538393-A-T. GRCh37 (hg19) VCF-style: chr2-50765531-A-T.
Other names: c.2123T>A, p.Val708Glu (NM_001135659.3); c.1979T>A, p.Val660Glu (NM_001330077.2, NM_001330082.2, NM_001330095.2); c.2003T>A, p.Val668Glu (NM_004801.6, NM_001330085.2, NM_001330086.2); c.1964T>A, p.Val655Glu (NM_001330083.2, NM_001330084.2); c.1919T>A, p.Val640Glu (NM_001330087.2, NM_001330096.2); c.1949T>A, p.Val650Glu (NM_001330088.2); c.2000T>A, p.Val667Glu (NM_001330093.2); c.1991T>A, p.Val664Glu (NM_001330094.2); short protein forms V640E, V650E, V655E, V660E, V664E, V667E, V668E, V708E.
Identifiers: ClinVar variation 1717949 (VCV001717949.5), dbSNP rs2465665869, ClinGen allele CA346770591.

ClinVar aggregate classification (germline): Uncertain significance (1 of 4 stars; one submission).

Conditions:
Pitt-Hopkins-like syndrome 2 (PTHSL2). Identifiers: Orphanet 221150, Orphanet 600663, MedGen C3280479, MONDO:0013690, OMIM 614325.

Submission:

Labcorp Genetics (formerly Invitae), Labcorp
Classification: Uncertain significance for Pitt-Hopkins-like syndrome 2. Last evaluated: 2022-08-24. Review status: criteria provided, single submitter. Criteria: Invitae Variant Classification Sherloc (09022015). Collection method: clinical testing. Allele origin: germline.
Comment: This variant has not been reported in the literature in individuals affected with NRXN1-related conditions. This variant is not present in population databases (gnomAD no frequency). This sequence change replaces valine, which is neutral and non-polar, with glutamic acid, which is acidic and polar, at codon 708 of the NRXN1 protein (p.Val708Glu). Algorithms developed to predict the effect of missense changes on protein structure and function (SIFT, PolyPhen-2, Align-GVGD) all suggest that this variant is likely to be disruptive. In summary, the available evidence is currently insufficient to determine the role of this variant in disease. Therefore, it has been classified as a Variant of Uncertain Significance.